The following is an entry in ClinVar:

ClinVar aggregate classification (germline): Uncertain significance (1 of 4 stars; one submission).

Conditions:
Left ventricular noncompaction 8 (LVNC8). Identifiers: Orphanet 154, Orphanet 54260, MedGen C3809288, MONDO:0014152, OMIM 615373.

gnomAD v4.1: 1 of 1,600,360 alleles (0.000062%); highest among the groups gnomAD compares: African/African-American, 0.0013%; no homozygotes.

Submission:

Labcorp Genetics (formerly Invitae), Labcorp
Classification: Uncertain significance for Left ventricular noncompaction 8. Last evaluated: 2024-10-17. Review status: criteria provided, single submitter. Criteria: Invitae Variant Classification Sherloc (09022015). Collection method: clinical testing. Allele origin: germline.
Comment: This sequence change replaces glycine, which is neutral and non-polar, with glutamic acid, which is acidic and polar, at codon 107 of the PRDM16 protein (p.Gly107Glu). This variant is not present in population databases (gnomAD no frequency). This variant has not been reported in the literature in individuals affected with PRDM16-related conditions. An algorithm developed to predict the effect of missense changes on protein structure and function (PolyPhen-2) suggests that this variant is likely to be disruptive. In summary, the available evidence is currently insufficient to determine the role of this variant in disease. Therefore, it has been classified as a Variant of Uncertain Significance.

NM_022114.4(PRDM16):c.320G>A (p.Gly107Glu)

Gene: PRDM16 (PR/SET domain 16; plus strand). Cytogenetic location: 1p36.32.
Variant type: single nucleotide variant.
Coding change: c.320G>A on transcript NM_022114.4 (MANE Select); coding-DNA position 320, G replaced by A.
Protein change: p.Gly107Glu; replaces glycine 107 with glutamic acid.
Molecular consequence: missense variant.
Genome position (GRCh38, 1-based): chr1:3,186,407, G>A. VCF-style: chr1-3186407-G-A. GRCh37 (hg19) VCF-style: chr1-3102971-G-A.
Other names: c.320G>A, p.Gly107Glu (NM_199454.3); short protein forms G107E.
Identifiers: ClinVar variation 3661968 (VCV003661968.2).